The following is an entry in ClinVar:

ClinVar aggregate classification (germline): Uncertain significance (1 of 4 stars; one submission).

Submission:

CeGaT Center for Human Genetics Tuebingen
Classification: Uncertain significance. Last evaluated: 2022-07-01. Review status: criteria provided, single submitter. Criteria: CeGaT Center For Human Genetics Tuebingen Variant Classification Criteria Version 2. Collection method: clinical testing. Allele origin: germline. Affected: yes. Observed: 1 variant allele.
Comment: TTN: PM2, PP3

NM_001267550.2(TTN):c.25250T>C (p.Leu8417Pro)

Gene: TTN (titin; minus strand). Cytogenetic location: 2q31.2.
Variant type: single nucleotide variant.
Coding change: c.25250T>C on transcript NM_001267550.2 (MANE Select); coding-DNA position 25250, T replaced by C.
Protein change: p.Leu8417Pro; replaces leucine 8417 with proline.
Molecular consequence: missense variant. On other transcripts: intron variant (3).
Genome position (GRCh38, 1-based): chr2:178,717,624, A>G on the plus strand (T>C on the coding strand, the complement: TTN is on the minus strand). VCF-style: chr2-178717624-A-G. GRCh37 (hg19) VCF-style: chr2-179582351-A-G.
Other names: c.24299T>C, p.Leu8100Pro (NM_001256850.1); c.21518T>C, p.Leu7173Pro (NM_133378.4); c.13282+20458T>C (NM_003319.4); c.13858+20458T>C (NM_133437.4); c.13657+20458T>C (NM_133432.3); short protein forms L7173P, L8100P, L8417P.
Identifiers: ClinVar variation 1701402 (VCV001701402.31), dbSNP rs2154299096, ClinGen allele CA349487380.